The following is an entry in ClinVar:

ClinVar aggregate classification (germline): Conflicting classifications of pathogenicity. Review status: criteria provided, conflicting classifications (1 of 4 stars). 6 submissions from 6 submitters: Likely pathogenic (4); Uncertain significance (1). 1 of the submissions does not count toward it. Last evaluated 2025-12-10.

Conditions:
Deficiency of butyryl-CoA dehydrogenase (ACADSD). Also called: SCAD DEFICIENCY, MILD; SCAD Deficiency; ACADS DEFICIENCY; SCADH DEFICIENCY; ACYL-CoA DEHYDROGENASE, SHORT-CHAIN, DEFICIENCY OF; Short-Chain Acyl-CoA Dehydrogenase Deficiency. Identifiers: Orphanet 26792, MedGen C0342783, MONDO:0008722, OMIM 201470. Disease mechanism: May be benign.

Allele frequency attached by ClinVar (database versions not stated): ExAC 0.00004; gnomAD exomes 0.00004 and 0.00009; gnomAD 0.00005 and 0.00006; TOPMed 0.00005.

Submissions (6):

Labcorp Genetics (formerly Invitae), Labcorp
Classification: Likely pathogenic for Deficiency of butyryl-CoA dehydrogenase. Last evaluated: 2025-12-10. Review status: criteria provided, single submitter. Criteria: Invitae Variant Classification Sherloc (09022015). Collection method: clinical testing. Allele origin: germline.
Comment: This sequence change replaces alanine, which is neutral and non-polar, with valine, which is neutral and non-polar, at codon 192 of the ACADS protein (p.Ala192Val). This variant is present in population databases (rs28940874, gnomAD 0.01%). This missense change has been observed in individuals with SCAD deficiency (PMID: 11134486; internal data). ClinVar contains an entry for this variant (Variation ID: 3834). Invitae Evidence Modeling of protein sequence and biophysical properties (such as structural, functional, and spatial information, amino acid conservation, physicochemical variation, residue mobility, and thermodynamic stability) indicates that this missense variant is expected to disrupt ACADS protein function with a positive predictive value of 95%. Experimental studies have shown that this missense change affects ACADS function (PMID: 11134486). In summary, the currently available evidence indicates that the variant is pathogenic, but additional data are needed to prove that conclusively. Therefore, this variant has been classified as Likely Pathogenic.

Fulgent Genetics
Classification: Likely pathogenic for Deficiency of butyryl-CoA dehydrogenase. Last evaluated: 2024-02-06. Review status: criteria provided, single submitter. Criteria: ACMG Guidelines, 2015. Collection method: clinical testing. Allele origin: germline.

Genome-Nilou Lab
Classification: Likely pathogenic for Deficiency of butyryl-CoA dehydrogenase. Last evaluated: 2021-11-07. Review status: criteria provided, single submitter. Criteria: ACMG Guidelines, 2015. Collection method: clinical testing. Allele origin: germline. Affected: no.

Revvity Omics, Revvity
Classification: Uncertain significance for Deficiency of butyryl-CoA dehydrogenase. Last evaluated: 2020-12-22. Review status: criteria provided, single submitter. Criteria: ACMG Guidelines, 2015. Collection method: clinical testing. Allele origin: germline.

GeneDx
Classification: Likely pathogenic. Last evaluated: 2020-10-20. Review status: criteria provided, single submitter. Criteria: GeneDx Variant Classification Process June 2021. Collection method: clinical testing. Allele origin: germline. Affected: yes.
Comment: Expression studies in E. coli found that this variant is associated with undetectable SCAD enzyme activity (Corydon et al., 200)1; Not observed at a significant frequency in large population cohorts (Lek et al., 2016); In silico analysis supports that this missense variant has a deleterious effect on protein structure/function; This variant is associated with the following publications: (PMID: 18523805, 11134486)

OMIM
Classification: Pathogenic for SCAD DEFICIENCY. Last evaluated: 2001-01-01. Review status: no assertion criteria provided. Collection method: literature only. Allele origin: germline. Not counted in ClinVar's aggregate classification.

Literature cited by the submitters: PubMed 11134486 (cited by Labcorp Genetics (formerly Invitae), Labcorp and OMIM).

NM_000017.4(ACADS):c.575C>T (p.Ala192Val)

Gene: ACADS (acyl-CoA dehydrogenase short chain; plus strand). Cytogenetic location: 12q24.31.
Variant type: single nucleotide variant.
Coding change: c.575C>T on transcript NM_000017.4 (MANE Select); coding-DNA position 575, C replaced by T.
Protein change: p.Ala192Val; replaces alanine 192 with valine.
Molecular consequence: missense variant. On other transcripts: intron variant (1).
Genome position (GRCh38, 1-based): chr12:120,737,939, C>T. VCF-style: chr12-120737939-C-T. GRCh37 (hg19) VCF-style: chr12-121175742-C-T.
Other names: A168V; c.473-110C>T (NM_001302554.2); short protein forms A192V.
Identifiers: ClinVar variation 3834 (VCV000003834.19), dbSNP rs28940874, ClinGen allele CA252886.